The following is an entry in ClinVar:

ClinVar aggregate classification (germline): Uncertain significance (1 of 4 stars; one submission).

Conditions:
UGT1A1-related disorder. Also called: UGT1A1-related disorders; UGT1A1-related condition.

Submission:

PreventionGenetics, part of Exact Sciences
Classification: Uncertain significance for UGT1A1-related condition. Last evaluated: 2022-12-21. Review status: criteria provided, single submitter. Criteria: ACMG Guidelines, 2015. Collection method: clinical testing. Allele origin: germline.
Comment: The UGT1A1 c.506T>A variant is predicted to result in the amino acid substitution p.Val169Glu. The p.Val169Glu variant was previously reported, along with a protein-truncating variant, in one individual with unconjugated hyperbilirubinemia (Skierka et al. 2013. PubMed ID: 23290513). This variant is absent from a public population database, indicating this variant is rare. At this time, the clinical significance of this variant is uncertain due to the absence of conclusive functional and genetic evidence.

NM_000463.3(UGT1A1):c.506T>A (p.Val169Glu)

Genes: UGT1A1 (UDP glucuronosyltransferase family 1 member A1; plus strand), UGT1A (UDP glucuronosyltransferase family 1 member A complex locus; plus strand), UGT1A10 (UDP glucuronosyltransferase family 1 member A10; plus strand), UGT1A3 (UDP glucuronosyltransferase family 1 member A3; plus strand), UGT1A4 (UDP glucuronosyltransferase family 1 member A4; plus strand) and 5 more. Cytogenetic location: 2q37.1.
Variant type: single nucleotide variant.
Coding change: c.506T>A on transcript NM_000463.3 (MANE Select); coding-DNA position 506, T replaced by A.
Protein change: p.Val169Glu; replaces valine 169 with glutamic acid.
Molecular consequence: missense variant. On other transcripts: intron variant (9).
Genome position (GRCh38, 1-based): chr2:233,760,793, T>A. VCF-style: chr2-233760793-T-A. GRCh37 (hg19) VCF-style: chr2-234669439-T-A.
Other names: c.856-6241T>A (NM_019076.5, NM_019075.4, NM_021027.3 and 1 more transcripts); c.61-6241T>A (NM_205862.3); c.862-6241T>A (NM_001072.4); c.868-6241T>A (NM_019078.2, NM_007120.3, NM_019093.4); short protein forms V169E.
Identifiers: ClinVar variation 2629913 (VCV002629913.1), dbSNP rs2472960744, ClinGen allele CA351066881.